The following is an entry in ClinVar:

NM_001371623.1(TCOF1):c.2859+3389G>T

Gene: TCOF1 (treacle ribosome biogenesis factor 1; plus strand). Cytogenetic location: 5q32.
Variant type: single nucleotide variant.
Coding change: c.2859+3389G>T on transcript NM_001371623.1 (MANE Select); 3389 bases into the intron after coding-DNA position 2859, G replaced by T.
Molecular consequence: intron variant.
Genome position (GRCh38, 1-based): chr5:150,383,121, G>T. VCF-style: chr5-150383121-G-T. GRCh37 (hg19) VCF-style: chr5-149762684-G-T.
Other names: c.2859+3389G>T (NM_001135243.2, NM_001135244.2, NM_001195141.2); c.2628+3389G>T (NM_001135245.2, NM_000356.4); c.2860-617G>T (NM_001008657.3).
Identifiers: ClinVar variation 209034 (VCV000209034.26), dbSNP rs151344575, ClinGen allele CA276103.
Genomic context (GRCh38, chr5:150,383,121, plus strand): 5'-GAAGGACAGTAACTCCAAACCTGCCAGAAGCAAGACCCTGGCCCCAGCACCCCCAGAGAG[G>T]AACACGGAGGGGTCCTCGGAGAGCAGTGAGGAAGAGCTGCCACTGACCCAGGTGCGCCAT-3'

ClinVar aggregate classification (germline): Benign/Likely benign. Review status: criteria provided, multiple submitters, no conflicts (2 of 4 stars). 3 submissions from 3 submitters: Benign (1); Likely benign (1). 1 of the submissions does not count toward it. Last evaluated 2023-02-17.

Conditions:
Treacher Collins syndrome 1 (TCS1). Also called: TCOF1-Related Treacher Collins Syndrome. Identifiers: Orphanet 861, MedGen CN315775, MONDO:0007944, OMIM 154500.

Allele frequency attached by ClinVar (database versions not stated): gnomAD 0.00196 and 0.00186; 1000 Genomes Project 30x 0.00047; ExAC 0.00058; 1000 Genomes Project 0.00060; TOPMed 0.00118.
gnomAD v4.1: 3,396 of 1,536,078 alleles (0.22%); highest among the groups gnomAD compares: Non-Finnish European, 0.26%; 5 homozygotes.

Submissions (3):

Blueprint Genetics
Classification: Likely benign. Last evaluated: 2023-02-17. Review status: criteria provided, single submitter. Criteria: ACMG Guidelines, 2015. Collection method: clinical testing. Allele origin: germline.

CeGaT Center for Human Genetics Tuebingen
Classification: Benign. Last evaluated: 2022-08-01. Review status: criteria provided, single submitter. Criteria: CeGaT Center For Human Genetics Tuebingen Variant Classification Criteria Version 2. Collection method: clinical testing. Allele origin: germline. Affected: yes. Observed: 2 variant alleles.
Comment: TCOF1: BS1, BS2

Genetics Laboratories, Oxford Radcliffe Hospitals NHS Trust
Classification: Likely benign for Treacher collins syndrome 1. Review status: no assertion criteria provided. Collection method: not provided. Allele origin: somatic. Not counted in ClinVar's aggregate classification.